The following is an entry in ClinVar:

ClinVar aggregate classification (germline): Pathogenic/Likely pathogenic. Review status: criteria provided, multiple submitters, no conflicts (2 of 4 stars). 5 submissions from 5 submitters: Pathogenic (3); Likely pathogenic (2). Last evaluated 2025-04-25.

Conditions:
Baraitser-Winter syndrome 1 (BRWS1). Also called: BARAITSER-WINTER SYNDROME 1, ATYPICAL; PACHYGYRIA, MENTAL RETARDATION, EPILEPSY, AND CHARACTERISTIC FACIES; MENTAL RETARDATION WITH EPILEPSY AND CHARACTERISTIC FACIES; Cerebrofrontofacial syndrome. Identifiers: Orphanet 2649, Orphanet 2995, MedGen C1855722, MONDO:0009470, OMIM 243310.
Cleft palate. Identifiers: Orphanet 2014, MedGen C2981150, MONDO:0016064, HP:0000175.

Submissions (5):

GeneDx
Classification: Pathogenic. Last evaluated: 2025-04-25. Review status: criteria provided, single submitter. Criteria: GeneDx Variant Classification Process June 2021. Collection method: clinical testing. Allele origin: germline. Affected: yes.
Comment: Not observed at significant frequency in large population cohorts (gnomAD); Missense variants in this gene are a common cause of disease and they are underrepresented in the general population; In silico analysis indicates that this missense variant does not alter protein structure/function; This variant is associated with the following publications: (PMID: 33334799, 38348958, 33528536, cheon_2022[article], 38789278)

3billion
Classification: Pathogenic for Baraitser-Winter syndrome 1. Last evaluated: 2022-09-01. Review status: criteria provided, single submitter. Criteria: ACMG Guidelines, 2015. Collection method: clinical testing. Allele origin: germline. Affected: yes. Observed: 1 heterozygote.
Comment: The variant is not observed in the gnomAD v2.1.1 dataset. Missense changes are a common disease-causing mechanism. In silico tool predictions suggest damaging effect of the variant on gene or gene product (REVEL: 0.64; 3Cnet: 0.82). Same nucleotide change resulting in same amino acid change has been previously reported as pathogenic/likely pathogenic with strong evidence (ClinVar ID: VCV000449190). The variant has been previously reported as assumed (i.e. paternity and maternity not confirmed) de novo in at least one similarly affected unrelated individual (3billion dataset). Therefore, this variant is classified as Pathogenic according to the recommendation of ACMG/AMP guideline.

Department of Clinical Genetics, Copenhagen University Hospital, Rigshospitalet
Classification: Likely pathogenic for Baraitser-Winter syndrome 1. Last evaluated: 2021-08-01. Review status: criteria provided, single submitter. Criteria: ACMG Guidelines, 2015. Collection method: clinical testing. Allele origin: de novo. Affected: yes.

Cambridge Genomics Laboratory, East Genomic Laboratory Hub, NHS Genomic Medicine Service
Classification: Likely pathogenic for Cleft palate. Last evaluated: 2020-01-10. Review status: criteria provided, single submitter. Criteria: ACGS Best Practice Guidelines for Variant Classification in Rare Disease 2020. Collection method: clinical testing. Allele origin: germline. Affected: yes. Observed: 1 variant allele.

Institute for Medical Genetics and Human Genetics, Charité - Universitätsmedizin Berlin
Classification: Pathogenic for Baraitser-Winter syndrome 1. Review status: criteria provided, single submitter. Criteria: ACMG Guidelines, 2015. Collection method: not provided. Allele origin: germline. Inheritance: Autosomal dominant inheritance. Affected: yes.

NM_001101.5(ACTB):c.826G>A (p.Glu276Lys)

Gene: ACTB (actin beta; minus strand). Cytogenetic location: 7p22.1.
Variant type: single nucleotide variant.
Coding change: c.826G>A on transcript NM_001101.5 (MANE Select); coding-DNA position 826, G replaced by A.
Protein change: p.Glu276Lys; replaces glutamic acid 276 with lysine.
Molecular consequence: missense variant.
Genome position (GRCh38, 1-based): chr7:5,528,162, C>T on the plus strand (G>A on the coding strand, the complement: ACTB is on the minus strand). VCF-style: chr7-5528162-C-T. GRCh37 (hg19) VCF-style: chr7-5567793-C-T.
Other names: c.826G>A (LRG_132t1); short protein forms E276K.
Identifiers: ClinVar variation 449190 (VCV000449190.15), dbSNP rs1554329216, ClinGen allele CA366700684.